The following is an entry in ClinVar:

GRCh38/hg38 5p13.2(chr5:35702424-35979101)x1

Genes: CAPSL (calcyphosine like; minus strand), CAPSL-DT (CAPSL divergent transcript; plus strand), IL7R (interleukin 7 receptor; plus strand), SPEF2 (sperm flagellar and cilia associated 2; plus strand), UGT3A1 (UDP glycosyltransferase family 3 member A1; minus strand) and 6 more. Cytogenetic location: 5p13.2.
Variant type: copy number loss.
Change: copy number 1 (one copy instead of two) of chr5:35,702,424-35,979,101 (276.7 kb, GRCh38 coordinates, 1-based), cytogenetic band 5p13.2.
Identifiers: ClinVar variation 4796390 (VCV004796390.1).

ClinVar aggregate classification (germline): Uncertain significance (1 of 4 stars; one submission).

Submission:

Medical Genetic Center, Changzhi Maternal and Child Health Care Hospital
Classification: Uncertain significance. Last evaluated: 2025-12-10. Review status: criteria provided, single submitter. Criteria: ACMG/ClinGen CNV Guidelines, 2019. Collection method: clinical testing. Allele origin: unknown.